The following is an entry in ClinVar:

NM_001367624.2(ZNF469):c.8663C>G (p.Pro2888Arg)

Gene: ZNF469 (zinc finger protein 469; plus strand). Cytogenetic location: 16q24.2.
Variant type: single nucleotide variant.
Coding change: c.8663C>G on transcript NM_001367624.2 (MANE Select); coding-DNA position 8663, C replaced by G.
Protein change: p.Pro2888Arg; replaces proline 2888 with arginine.
Molecular consequence: missense variant.
Genome position (GRCh38, 1-based): chr16:88,436,133, C>G. VCF-style: chr16-88436133-C-G. GRCh37 (hg19) VCF-style: chr16-88502541-C-G.
Other names: short protein forms P2888R.
Identifiers: ClinVar variation 1901541 (VCV001901541.5), dbSNP rs771869636, ClinGen allele CA397119059.

ClinVar aggregate classification (germline): Uncertain significance (1 of 4 stars; one submission).

Allele frequency attached by ClinVar (database versions not stated): TOPMed below 0.00001.
gnomAD v4.1: 2 of 1,548,226 alleles (0.00013%); highest among the groups gnomAD compares: South Asian, 0.0012%; no homozygotes.

Submission:

Labcorp Genetics (formerly Invitae), Labcorp
Classification: Uncertain significance. Last evaluated: 2022-01-17. Review status: criteria provided, single submitter. Criteria: Invitae Variant Classification Sherloc (09022015). Collection method: clinical testing. Allele origin: germline.
Comment: This variant is not present in population databases (gnomAD no frequency). In summary, the available evidence is currently insufficient to determine the role of this variant in disease. Therefore, it has been classified as a Variant of Uncertain Significance. Algorithms developed to predict the effect of missense changes on protein structure and function (SIFT, PolyPhen-2, Align-GVGD) all suggest that this variant is likely to be tolerated. This variant has not been reported in the literature in individuals affected with ZNF469-related conditions. This sequence change replaces proline, which is neutral and non-polar, with arginine, which is basic and polar, at codon 2860 of the ZNF469 protein (p.Pro2860Arg).